The following is an entry in ClinVar:

NM_006231.4(POLE):c.3814C>A (p.Leu1272Ile)

Gene: POLE (DNA polymerase epsilon, catalytic subunit; minus strand). Cytogenetic location: 12q24.33.
Variant type: single nucleotide variant.
Coding change: c.3814C>A on transcript NM_006231.4 (MANE Select); coding-DNA position 3814, C replaced by A.
Protein change: p.Leu1272Ile; replaces leucine 1272 with isoleucine.
Molecular consequence: missense variant.
Genome position (GRCh38, 1-based): chr12:132,649,497, G>T on the plus strand (C>A on the coding strand, the complement: POLE is on the minus strand). VCF-style: chr12-132649497-G-T. GRCh37 (hg19) VCF-style: chr12-133226083-G-T.
Other names: c.3814C>A (NM_006231.2); short protein forms L1272I.
Identifiers: ClinVar variation 2914029 (VCV002914029.4), dbSNP rs2042370072, ClinGen allele CA387385635.

ClinVar aggregate classification (germline): Uncertain significance. Review status: criteria provided, multiple submitters, no conflicts (2 of 4 stars). 2 submissions from 2 submitters: Uncertain significance (2). Last evaluated 2025-07-18.

Conditions:
Hereditary cancer-predisposing syndrome. Also called: Neoplastic Syndromes, Hereditary; Tumor predisposition; Hereditary Cancer Syndrome; Hereditary neoplastic syndrome. Identifiers: Orphanet 140162, MedGen C0027672, MeSH D009386, MONDO:0015356.

Submissions (2):

Ambry Genetics
Classification: Uncertain significance for Hereditary cancer-predisposing syndrome. Last evaluated: 2025-07-18. Review status: criteria provided, single submitter. Criteria: Ambry Variant Classification Scheme 2023. Collection method: clinical testing. Allele origin: germline.
Comment: The p.L1272I variant (also known as c.3814C>A), located in coding exon 31 of the POLE gene, results from a C to A substitution at nucleotide position 3814. The leucine at codon 1272 is replaced by isoleucine, an amino acid with highly similar properties. This amino acid position is conserved. In addition, this alteration is predicted to be tolerated by in silico analysis. Based on the available evidence, the clinical significance of this variant remains unclear.

Labcorp Genetics (formerly Invitae), Labcorp
Classification: Uncertain significance. Last evaluated: 2023-05-05. Review status: criteria provided, single submitter. Criteria: Invitae Variant Classification Sherloc (09022015). Collection method: clinical testing. Allele origin: germline.
Comment: In summary, the available evidence is currently insufficient to determine the role of this variant in disease. Therefore, it has been classified as a Variant of Uncertain Significance. Advanced modeling of protein sequence and biophysical properties (such as structural, functional, and spatial information, amino acid conservation, physicochemical variation, residue mobility, and thermodynamic stability) performed at Invitae indicates that this missense variant is not expected to disrupt POLE protein function. This variant has not been reported in the literature in individuals affected with POLE-related conditions. This variant is not present in population databases (gnomAD no frequency). This sequence change replaces leucine, which is neutral and non-polar, with isoleucine, which is neutral and non-polar, at codon 1272 of the POLE protein (p.Leu1272Ile).